The following is an entry in ClinVar:

ClinVar aggregate classification (germline): Uncertain significance (1 of 4 stars; one submission).

Conditions:
Bardet-Biedl syndrome (BBS). Identifiers: Orphanet 110, MedGen C0752166, MONDO:0015229.

Submission:

Labcorp Genetics (formerly Invitae), Labcorp
Classification: Uncertain significance for Bardet-Biedl syndrome. Last evaluated: 2020-02-15. Review status: criteria provided, single submitter. Criteria: Invitae Variant Classification Sherloc (09022015). Collection method: clinical testing. Allele origin: unknown.
Comment: In summary, the available evidence is currently insufficient to determine the role of this variant in disease. Therefore, it has been classified as a Variant of Uncertain Significance. Experimental studies and prediction algorithms are not available or were not evaluated for this variant, and the functional significance of the affected amino acid(s) is currently unknown. This variant has not been reported in the literature in individuals with TRIM32-related conditions. This variant is a deletion of the genomic region encompassing part of exon 2 and the 5' untranslated region (c.1465_*13624del) of the TRIM32 gene. While this is not anticipated to result in nonsense mediated decay, it is expected to create a truncated protein product.

NC_000009.11:g.(?_119461485)_(119475606_?)del

Genes: ASTN2 (astrotactin 2; minus strand), TRIM32 (tripartite motif containing 32; plus strand). Cytogenetic location: 9q33.1.
Variant type: Deletion.
Identifiers: ClinVar variation 3245165 (VCV003245165.1).